The following is an entry in ClinVar:

ClinVar aggregate classification (germline): Uncertain significance (1 of 4 stars; one submission).

Submission:

Labcorp Genetics (formerly Invitae), Labcorp
Classification: Uncertain significance. Last evaluated: 2022-02-18. Review status: criteria provided, single submitter. Criteria: Invitae Variant Classification Sherloc (09022015). Collection method: clinical testing. Allele origin: germline.
Comment: This sequence change replaces glycine, which is neutral and non-polar, with arginine, which is basic and polar, at codon 852 of the COL9A1 protein (p.Gly852Arg). This variant is not present in population databases (gnomAD no frequency). This variant has not been reported in the literature in individuals affected with COL9A1-related conditions. Advanced modeling of protein sequence and biophysical properties (such as structural, functional, and spatial information, amino acid conservation, physicochemical variation, residue mobility, and thermodynamic stability) performed at Invitae indicates that this missense variant is expected to disrupt COL9A1 protein function. In summary, the available evidence is currently insufficient to determine the role of this variant in disease. Therefore, it has been classified as a Variant of Uncertain Significance.

NM_001851.6(COL9A1):c.2554G>C (p.Gly852Arg)

Gene: COL9A1 (collagen type IX alpha 1 chain; minus strand). Cytogenetic location: 6q13.
Variant type: single nucleotide variant.
Coding change: c.2554G>C on transcript NM_001851.6 (MANE Select); coding-DNA position 2554, G replaced by C.
Protein change: p.Gly852Arg; replaces glycine 852 with arginine.
Molecular consequence: missense variant. On other transcripts: non-coding transcript variant (1).
Genome position (GRCh38, 1-based): chr6:70,225,959, C>G on the plus strand (G>C on the coding strand, the complement: COL9A1 is on the minus strand). VCF-style: chr6-70225959-C-G. GRCh37 (hg19) VCF-style: chr6-70935662-C-G.
Other names: c.1855G>C, p.Gly619Arg (NM_001377289.1); c.1678G>C, p.Gly560Arg (NM_001377290.1); c.1825G>C, p.Gly609Arg (NM_078485.4); short protein forms G560R, G619R, G609R, G852R.
Identifiers: ClinVar variation 2098324 (VCV002098324.4), dbSNP rs1440387229, ClinGen allele CA364670234.